The following is an entry in ClinVar:

ClinVar aggregate classification (germline): Likely benign. Review status: criteria provided, multiple submitters, no conflicts (2 of 4 stars). 2 submissions from 2 submitters: Likely benign (2). Last evaluated 2024-02-17.

Conditions:
Primary ciliary dyskinesia. Also called: Ciliary dyskinesia. Identifiers: Orphanet 244, MedGen C0008780, MONDO:0016575, HP:0012265.

Submissions (2):

Labcorp Genetics (formerly Invitae), Labcorp
Classification: Likely benign for Primary ciliary dyskinesia. Last evaluated: 2024-02-17. Review status: criteria provided, single submitter. Criteria: Invitae Variant Classification Sherloc (09022015). Collection method: clinical testing. Allele origin: germline.

CeGaT Center for Human Genetics Tuebingen
Classification: Likely benign. Last evaluated: 2023-10-01. Review status: criteria provided, single submitter. Criteria: CeGaT Center For Human Genetics Tuebingen Variant Classification Criteria Version 2. Collection method: clinical testing. Allele origin: germline. Affected: yes. Observed: 1 variant allele.
Comment: RPGR: BP4, BP7

NM_001034853.2(RPGR):c.2751A>G (p.Gly917=)

Gene: RPGR (retinitis pigmentosa GTPase regulator; minus strand). Cytogenetic location: Xp11.4.
Variant type: single nucleotide variant.
Coding change: c.2751A>G on transcript NM_001034853.2 (MANE Select); coding-DNA position 2751, A replaced by G.
Protein change: p.Gly917=; no amino-acid change (glycine 917 retained).
Molecular consequence: synonymous variant. On other transcripts: intron variant (8).
Genome position (GRCh38, 1-based): chrX:38,286,248, T>C on the plus strand (A>G on the coding strand, the complement: RPGR is on the minus strand). VCF-style: chrX-38286248-T-C. GRCh37 (hg19) VCF-style: chrX-38145501-T-C.
Other names: c.1569+4711A>G (NM_001367249.1, NM_001367250.1); c.1902+846A>G (NM_001367245.1); c.1386+4711A>G (NM_001367251.1); c.1719+846A>G (NM_001367246.1); c.1572+4711A>G (NM_001367247.1); c.1905+846A>G (NM_000328.3); c.1602+4711A>G (NM_001367248.1).
Identifiers: ClinVar variation 1956400 (VCV001956400.29), dbSNP rs1351030492, ClinGen allele CA515709551.
Genomic context (GRCh38, chrX:38,286,248, plus strand): 5'-TCCTTCCTCCTCTTCCCCCTCCCCTTCTCCTTCCTCTCCTTCCTCCTCCCCTTTCCCTTC[T>C]CCTTCCTCCTCTTCTCCCTCCCCTTCTCCTTCCTCTTCTCCCTCCCCTTCTCCTTCCTCC-3'
Protein context (NP_001030025.1, residues 907-927): EGEGEGEEEE[Gly917=]EGKGEEEGEE